The following is an entry in ClinVar:

NC_000023.10:g.(?_107807112)_(107807156_?)del

Gene: COL4A5 (collagen type IV alpha 5 chain; plus strand). Cytogenetic location: Xq22.3.
Variant type: Deletion.
Identifiers: ClinVar variation 1076342 (VCV001076342.7).

ClinVar aggregate classification (germline): Pathogenic (1 of 4 stars; one submission).

Submission:

Labcorp Genetics (formerly Invitae), Labcorp
Classification: Pathogenic. Last evaluated: 2020-06-27. Review status: criteria provided, single submitter. Criteria: Invitae Variant Classification Sherloc (09022015). Collection method: clinical testing. Allele origin: germline.
Comment: Glycine residues within the Gly-Xaa-Yaa repeats of the triple helix domain are required for the structure and stability of fibrillar collagens (PMID: 7695699, 8218237, 19344236). In COL4A5, variants at these glycine residues are significantly enriched in individuals with disease (PMID: 23720012, 27627812) compared to the general population (ExAC) For these reasons, this variant has been classified as Pathogenic. This variant has not been reported in the literature in individuals with COL4A5-related conditions. This variant is an in-frame deletion of the genomic region encompassing exon 4 of the COL4A5 gene. It preserves the integrity of the reading frame.

Literature cited by the submitters: PubMed 7695699; PubMed 8218237; PubMed 19344236; PubMed 23720012; PubMed 27627812.